The following is an entry in ClinVar:

ClinVar aggregate classification (germline): Uncertain significance (1 of 4 stars; one submission).

Conditions:
Alstrom syndrome (ALMS). Identifiers: Orphanet 64, MedGen C0268425, MONDO:0008763, OMIM 203800.

gnomAD v4.1: 5 of 1,614,040 alleles (0.00031%); highest among the groups gnomAD compares: Admixed American, 0.0017%; no homozygotes.

Submission:

Labcorp Genetics (formerly Invitae), Labcorp
Classification: Uncertain significance for Alstrom syndrome. Last evaluated: 2025-01-08. Review status: criteria provided, single submitter. Criteria: Invitae Variant Classification Sherloc (09022015). Collection method: clinical testing. Allele origin: germline.
Comment: This sequence change replaces asparagine, which is neutral and polar, with histidine, which is basic and polar, at codon 2645 of the ALMS1 protein (p.Asn2645His). This variant is present in population databases (rs768792676, gnomAD 0.002%). This variant has not been reported in the literature in individuals affected with ALMS1-related conditions. Experimental studies and prediction algorithms are not available or were not evaluated, and the functional significance of this variant is currently unknown. In summary, the available evidence is currently insufficient to determine the role of this variant in disease. Therefore, it has been classified as a Variant of Uncertain Significance.

NM_001378454.1(ALMS1):c.7930A>C (p.Asn2644His)

Gene: ALMS1 (ALMS1 centrosome and basal body associated protein; plus strand). Cytogenetic location: 2p13.1.
Variant type: single nucleotide variant.
Coding change: c.7930A>C on transcript NM_001378454.1 (MANE Select); coding-DNA position 7930, A replaced by C.
Protein change: p.Asn2644His; replaces asparagine 2644 with histidine.
Molecular consequence: missense variant.
Genome position (GRCh38, 1-based): chr2:73,489,889, A>C. VCF-style: chr2-73489889-A-C. GRCh37 (hg19) VCF-style: chr2-73717016-A-C.
Other names: c.7933A>C, p.Asn2645His (NM_015120.4); short protein forms N2644H, N2645H.
Identifiers: ClinVar variation 3716271 (VCV003716271.1).